The following is an entry in ClinVar:

NM_153006.3(NAGS):c.1048G>A (p.Val350Ile)

Gene: NAGS (N-acetylglutamate synthase; plus strand). Cytogenetic location: 17q21.31.
Variant type: single nucleotide variant.
Coding change: c.1048G>A on transcript NM_153006.3 (MANE Select); coding-DNA position 1048, G replaced by A.
Protein change: p.Val350Ile; replaces valine 350 with isoleucine.
Molecular consequence: missense variant.
Genome position (GRCh38, 1-based): chr17:44,006,661, G>A. VCF-style: chr17-44006661-G-A. GRCh37 (hg19) VCF-style: chr17-42084029-G-A.
Other names: short protein forms V350I.
Identifiers: ClinVar variation 4536032 (VCV004536032.1).

ClinVar aggregate classification (germline): Uncertain significance (1 of 4 stars; one submission).

gnomAD v4.1: 2 of 1,607,360 alleles (0.00012%); highest among the groups gnomAD compares: Non-Finnish European, 0.00017%; no homozygotes.

Submission:

Women's Health and Genetics/Laboratory Corporation of America, LabCorp
Classification: Uncertain significance. Last evaluated: 2025-09-23. Review status: criteria provided, single submitter. Criteria: LabCorp Variant Classification Summary - May 2015. Collection method: clinical testing. Allele origin: germline.
Comment: Variant summary: NAGS c.1048G>A (p.Val350Ile) results in a conservative amino acid change in the encoded protein sequence. Algorithms developed to predict the effect of missense changes on protein structure and function are either unavailable or do not agree on the potential impact of this missense change. The variant was absent in 236318 control chromosomes. The available data on variant occurrences in the general population are insufficient to allow any conclusion about variant significance. c.1048G>A has been observed in the presumed compound heterozygous state in at least 1 individual(s) affected with clinical features of NAGS deficiency (example, Caldovic_2007). These data do not allow any conclusion about variant significance. Multiple publications report experimental evidence evaluating an impact on protein function both in patient sample(s) and in vitro. The most pronounced variant effect results in a striking decrease in enzymatic activity (patient sample), however it could not be determined if the measured activity was completely due to this variant alone, and follow up experiments in vitro had mixed and/or conflicting results (example, Gougeard_2024, Caldovic_2007, Sancho-Vaello_2016). The following publications have been ascertained in the context of this evaluation (PMID: 17421020, 27037498, 38740568, 37847851, 27570737, 27147233, 22174908, 23776373, 18414145, 15714518). No submitters have cited clinical-significance assessments for this variant to ClinVar. Based on the evidence outlined above, the variant was classified as uncertain significance.

Literature cited by the submitters: PubMed 18414145; PubMed 27037498; PubMed 27570737; PubMed 38740568; PubMed 17421020; PubMed 15714518; PubMed 22174908; PubMed 27147233; PubMed 37847851; PubMed 23776373.